The following is an entry in ClinVar:

NM_000719.7(CACNA1C):c.5885G>A (p.Arg1962Gln)

Genes: CACNA1C (calcium voltage-gated channel subunit alpha1 C; plus strand), CACNA1C-AS1 (CACNA1C antisense RNA 1; minus strand). Cytogenetic location: 12p13.33.
Variant type: single nucleotide variant.
Coding change: c.5885G>A on transcript NM_000719.7 (MANE Select); coding-DNA position 5885, G replaced by A.
Protein change: p.Arg1962Gln; replaces arginine 1962 with glutamine.
Molecular consequence: missense variant.
Genome position (GRCh38, 1-based): chr12:2,688,547, G>A. VCF-style: chr12-2688547-G-A. GRCh37 (hg19) VCF-style: chr12-2797713-G-A.
Other names: c.6029G>A, p.Arg2010Gln (NM_001129827.2); c.6008G>A, p.Arg2003Gln (NM_001129829.2); c.5990G>A, p.Arg1997Gln (NM_001129830.3, NM_001167624.3); c.5969G>A, p.Arg1990Gln (NM_001129831.2); c.5945G>A, p.Arg1982Gln (NM_001129832.2); c.5942G>A, p.Arg1981Gln (NM_001129833.2, NM_001129834.2, NM_001129835.2); c.5936G>A, p.Arg1979Gln (NM_001129836.2); c.5909G>A, p.Arg1970Gln (NM_001129837.2, NM_001129838.2); and 6 more; short protein forms R1962Q, R1997Q, R2010Q, R1981Q, R1982Q, R2022Q, R1959Q, R1979Q.
Identifiers: ClinVar variation 190626 (VCV000190626.18), dbSNP rs199776761, ClinGen allele CA301180.
Genomic context (GRCh38, chr12:2,688,547, plus strand): 5'-GCCATTCCCCTGCCTCATTCCCTAGGCCTTTTGCCACCCCACCAGCCACACCTGGCAGCC[G>A]AGGCTGGCCCCCACAGCCCGTCCCCACCCTGCGGCTTGAGGGGGTCGAGTCCAGTGAGAA-3'
Protein context (NP_000710.5, residues 1952-1972): FATPPATPGS[Arg1962Gln]GWPPQPVPTL

ClinVar aggregate classification (germline): Conflicting classifications of pathogenicity. Review status: criteria provided, conflicting classifications (1 of 4 stars). 6 submissions from 6 submitters: Uncertain significance (1); Likely benign (5). Last evaluated 2026-08-26.

Conditions:
Brugada syndrome 3 (BRGDA3). Identifiers: Orphanet 130, MedGen C2678478, MONDO:0012742, OMIM 611875.
Long QT syndrome 8. Identifiers: MedGen CN260585, MONDO:0032756, OMIM 618447.
Timothy syndrome (TS). Also called: LONG QT SYNDROME WITH SYNDACTYLY. Identifiers: Orphanet 65283, MedGen C1832916, MeSH C536962, MONDO:0010979, OMIM 601005.
Cardiovascular phenotype. Identifiers: MedGen CN230736.
CACNA1C-related disorder. Also called: CACNA1C-related disorders; CACNA1C-related condition. Identifiers: MedGen CN381092, MONDO:0700321.
Long QT syndrome (LQTS). Identifiers: MedGen C0023976, MeSH D008133, MONDO:0002442. Disease mechanism: loss of function. Inheritance: Various modes of inheritance.

Allele frequency attached by ClinVar (database versions not stated): ESP Exome Variant Server 0.00025; 1000 Genomes Project 30x 0.00047; gnomAD exomes 0.00009; TOPMed 0.00019; gnomAD 0.00026 and 0.00023; 1000 Genomes Project 0.00060; ExAC 0.00013.
gnomAD v4.1: 168 of 1,613,974 alleles (0.01%); highest among the groups gnomAD compares: African/African-American, 0.055%; no homozygotes.

Submissions (6):

PreventionGenetics, part of Exact Sciences
Classification: Uncertain significance for CACNA1C-related condition. Last evaluated: 2026-08-26. Review status: criteria provided, single submitter. Criteria: ACMG Guidelines, 2015. Collection method: clinical testing. Allele origin: germline.
Comment: The CACNA1C c.5885G>A variant is predicted to result in the amino acid substitution p.Arg1962Gln. To our knowledge, this variant has not been reported in the literature. This variant is reported in 0.071% of alleles in individuals of African descent in gnomAD. Although we suspect that this variant may be benign, at this time, the clinical significance of this variant is uncertain due to the absence of conclusive functional and genetic evidence.

Labcorp Genetics (formerly Invitae), Labcorp
Classification: Likely benign for Long QT syndrome. Last evaluated: 2025-12-17. Review status: criteria provided, single submitter. Criteria: Invitae Variant Classification Sherloc (09022015). Collection method: clinical testing. Allele origin: germline.

Women's Health and Genetics/Laboratory Corporation of America, LabCorp
Classification: Likely benign. Last evaluated: 2024-12-27. Review status: criteria provided, single submitter. Criteria: LabCorp Variant Classification Summary - May 2015. Collection method: clinical testing. Allele origin: germline.
Comment: Variant summary: CACNA1C c.5885G>A (p.Arg1962Gln) results in a conservative amino acid change in the encoded protein sequence. Five of five in-silico tools predict a benign effect of the variant on protein function. The variant allele was found at a frequency of 9.3e-05 in 247926 control chromosomes, predominantly at a frequency of 0.00065 within the African or African-American subpopulation in the gnomAD database. The observed variant frequency within African or African-American control individuals in the gnomAD database is approximately 65 fold of the estimated maximal expected allele frequency for a pathogenic variant in CACNA1C causing Timothy Syndrome phenotype (1e-05). c.5885G>A has been reported in the literature in individuals affected with Timothy Syndrome. These report(s) do not provide unequivocal conclusions about association of the variant with Timothy Syndrome. To our knowledge, no experimental evidence demonstrating an impact on protein function has been reported. ClinVar contains an entry for this variant (Variation ID: 190626). Based on the evidence outlined above, the variant was classified as likely benign.

Blueprint Genetics
Classification: Likely benign. Last evaluated: 2023-10-27. Review status: criteria provided, single submitter. Criteria: ACMG Guidelines, 2015. Collection method: clinical testing. Allele origin: germline.

Ambry Genetics
Classification: Likely benign for Cardiovascular phenotype. Last evaluated: 2022-08-24. Review status: criteria provided, single submitter. Criteria: Ambry Variant Classification Scheme 2023. Collection method: clinical testing. Allele origin: germline.

Fulgent Genetics
Classification: Likely benign for Timothy syndrome; Brugada syndrome 3; Long QT syndrome 8. Last evaluated: 2021-08-27. Review status: criteria provided, single submitter. Criteria: ACMG Guidelines, 2015. Collection method: clinical testing. Allele origin: unknown.

Literature cited by the submitters: PubMed 25633834 (cited by Women's Health and Genetics/Laboratory Corporation of America, LabCorp); PubMed 27930701 (cited by Women's Health and Genetics/Laboratory Corporation of America, LabCorp).